The following is an entry in ClinVar:

NM_005529.7(HSPG2):c.9395T>G (p.Leu3132Arg)

Gene: HSPG2 (heparan sulfate proteoglycan 2; minus strand). Cytogenetic location: 1p36.12.
Variant type: single nucleotide variant.
Coding change: c.9395T>G on transcript NM_005529.7 (MANE Select); coding-DNA position 9395, T replaced by G.
Protein change: p.Leu3132Arg; replaces leucine 3132 with arginine.
Molecular consequence: missense variant.
Genome position (GRCh38, 1-based): chr1:21,841,219, A>C on the plus strand (T>G on the coding strand, the complement: HSPG2 is on the minus strand). VCF-style: chr1-21841219-A-C. GRCh37 (hg19) VCF-style: chr1-22167712-A-C.
Other names: c.9398T>G, p.Leu3133Arg (NM_001291860.2); short protein forms L3133R, L3132R.
Identifiers: ClinVar variation 1522363 (VCV001522363.8), dbSNP rs2098047109, ClinGen allele CA338914312.

ClinVar aggregate classification (germline): Uncertain significance (1 of 4 stars; one submission).

gnomAD v4.1: 2 of 1,613,892 alleles (0.00012%); highest among the groups gnomAD compares: Non-Finnish European, 0.00017%; no homozygotes.

Submission:

Labcorp Genetics (formerly Invitae), Labcorp
Classification: Uncertain significance. Last evaluated: 2021-04-02. Review status: criteria provided, single submitter. Criteria: Invitae Variant Classification Sherloc (09022015). Collection method: clinical testing. Allele origin: germline.
Comment: In summary, the available evidence is currently insufficient to determine the role of this variant in disease. Therefore, it has been classified as a Variant of Uncertain Significance. Algorithms developed to predict the effect of missense changes on protein structure and function (SIFT, PolyPhen-2, Align-GVGD) all suggest that this variant is likely to be disruptive, but these predictions have not been confirmed by published functional studies and their clinical significance is uncertain. This variant has not been reported in the literature in individuals with HSPG2-related conditions. This variant is not present in population databases (ExAC no frequency). This sequence change replaces leucine with arginine at codon 3132 of the HSPG2 protein (p.Leu3132Arg). The leucine residue is highly conserved and there is a moderate physicochemical difference between leucine and arginine.